The following is an entry in ClinVar:

ClinVar aggregate classification (germline): Pathogenic (1 of 4 stars; one submission).

Submission:

HudsonAlpha Institute for Biotechnology
Classification: Pathogenic. Last evaluated: 2021-07-29. Review status: criteria provided, single submitter. Criteria: ACMG/ClinGen CNV Guidelines, 2019. Collection method: research. Allele origin: unknown. Affected: yes. Observed: 1 variant allele. Study: CSER-SouthSeq.
Comment: ACMG codes:2A(0.75), 3C(0.90), 4L(0.10)

GRCh37/hg19 21p13-q22.3(chr21:1-48129895)x3

Genes: CLIC6 (chloride intracellular channel 6; plus strand), KRTAP10-3 (keratin associated protein 10-3; minus strand), KRTAP20-3 (keratin associated protein 20-3; plus strand), KRTAP20-4 (keratin associated protein 20-4; plus strand), KRTAP21-1 (keratin associated protein 21-1; minus strand) and 217 more. Cytogenetic location: 21p13-q22.3.
Variant type: copy number gain.
Change: copy number 3 (three copies instead of two) of chr21:1-48,129,895 (48.13 Mb, GRCh37 coordinates, 1-based), cytogenetic band 21p13-q22.3.
Identifiers: ClinVar variation 1321998 (VCV001321998.1).